The following is an entry in ClinVar:

NM_030653.4(DDX11):c.2413T>G (p.Ser805Ala)

Gene: DDX11 (DEAD/H-box helicase 11; plus strand). Cytogenetic location: 12p11.21.
Variant type: single nucleotide variant.
Coding change: c.2413T>G on transcript NM_030653.4 (MANE Select); coding-DNA position 2413, T replaced by G.
Protein change: p.Ser805Ala; replaces serine 805 with alanine.
Molecular consequence: missense variant.
Genome position (GRCh38, 1-based): chr12:31,102,976, T>G. VCF-style: chr12-31102976-T-G. GRCh37 (hg19) VCF-style: chr12-31255910-T-G.
Other names: c.2413T>G, p.Ser805Ala (NM_001257144.2, NM_152438.2); c.2335T>G, p.Ser779Ala (NM_001257145.2); c.2263T>G, p.Ser755Ala (NM_004399.3); short protein forms S755A, S779A, S805A.
Identifiers: ClinVar variation 1305749 (VCV001305749.2), dbSNP rs936845118, ClinGen allele CA384249165.

ClinVar aggregate classification (germline): Uncertain significance (1 of 4 stars; one submission).

Submission:

GeneDx
Classification: Uncertain significance. Last evaluated: 2019-05-22. Review status: criteria provided, single submitter. Criteria: GeneDx Variant Classification Process June 2021. Collection method: clinical testing. Allele origin: germline. Affected: yes.
Comment: Not observed in large population cohorts (Lek et al., 2016); In silico analysis, which includes protein predictors and evolutionary conservation, supports a deleterious effect; Has not been previously published as pathogenic or benign to our knowledge